The following is an entry in ClinVar:

ClinVar aggregate classification (germline): Uncertain significance. Review status: criteria provided, multiple submitters, no conflicts (2 of 4 stars). 3 submissions from 3 submitters: Uncertain significance (3). Last evaluated 2024-05-03.

Conditions:
Cortical dysplasia-focal epilepsy syndrome (PTHSL1). Also called: Pitt-Hopkins-like syndrome 1. Identifiers: Orphanet 163681, Orphanet 221150, MedGen C2750246, MONDO:0012400, OMIM 610042.

Allele frequency attached by ClinVar (database versions not stated): TOPMed 0.00005; gnomAD 0.00007; ExAC 0.00010; gnomAD exomes 0.00012.
gnomAD v4.1: 55 of 1,613,936 alleles (0.0034%); highest among the groups gnomAD compares: East Asian, 0.02%; no homozygotes.

Submissions (3):

GeneDx
Classification: Uncertain significance. Last evaluated: 2024-05-03. Review status: criteria provided, single submitter. Criteria: GeneDx Variant Classification Process June 2021. Collection method: clinical testing. Allele origin: germline. Affected: yes.
Comment: Reported previously in a control individual in a study regarding the association of CNTNAP2 variants and autism (PMID: 25621974); In silico analysis indicates that this missense variant does not alter protein structure/function; This variant is associated with the following publications: (PMID: 25621974)

Labcorp Genetics (formerly Invitae), Labcorp
Classification: Uncertain significance for Cortical dysplasia-focal epilepsy syndrome. Last evaluated: 2024-01-24. Review status: criteria provided, single submitter. Criteria: Invitae Variant Classification Sherloc (09022015). Collection method: clinical testing. Allele origin: germline.
Comment: This sequence change replaces valine, which is neutral and non-polar, with isoleucine, which is neutral and non-polar, at codon 1102 of the CNTNAP2 protein (p.Val1102Ile). This variant is present in population databases (rs773399465, gnomAD 0.04%). This variant has not been reported in the literature in individuals affected with CNTNAP2-related conditions. ClinVar contains an entry for this variant (Variation ID: 205284). An algorithm developed to predict the effect of missense changes on protein structure and function (PolyPhen-2) suggests that this variant¬†is likely to be tolerated. In summary, the available evidence is currently insufficient to determine the role of this variant in disease. Therefore, it has been classified as a Variant of Uncertain Significance.

Revvity Omics, Revvity
Classification: Uncertain significance for Cortical dysplasia-focal epilepsy syndrome. Last evaluated: 2019-05-28. Review status: criteria provided, single submitter. Criteria: ACMG Guidelines, 2015. Collection method: clinical testing. Allele origin: germline.

NM_014141.6(CNTNAP2):c.3304G>A (p.Val1102Ile)

Gene: CNTNAP2 (contactin associated protein 2; plus strand). Cytogenetic location: 7q36.1.
Variant type: single nucleotide variant.
Coding change: c.3304G>A on transcript NM_014141.6 (MANE Select); coding-DNA position 3304, G replaced by A.
Protein change: p.Val1102Ile; replaces valine 1102 with isoleucine.
Molecular consequence: missense variant.
Genome position (GRCh38, 1-based): chr7:148,229,702, G>A. VCF-style: chr7-148229702-G-A. GRCh37 (hg19) VCF-style: chr7-147926794-G-A.
Other names: p.V1102I:GTA>ATA; short protein forms V1102I.
Identifiers: ClinVar variation 205284 (VCV000205284.13), dbSNP rs773399465, ClinGen allele CA314202.